The following is an entry in ClinVar:

NM_004006.3(DMD):c.2581T>A (p.Ser861Thr)

Gene: DMD (dystrophin; minus strand). Cytogenetic location: Xp21.1.
Variant type: single nucleotide variant.
Coding change: c.2581T>A on transcript NM_004006.3 (MANE Select); coding-DNA position 2581, T replaced by A.
Protein change: p.Ser861Thr; replaces serine 861 with threonine.
Molecular consequence: missense variant.
Genome position (GRCh38, 1-based): chrX:32,491,318, A>T on the plus strand (T>A on the coding strand, the complement: DMD is on the minus strand). VCF-style: chrX-32491318-A-T. GRCh37 (hg19) VCF-style: chrX-32509435-A-T.
Other names: c.2557T>A, p.Ser853Thr (NM_000109.4); c.2569T>A, p.Ser857Thr (NM_004009.3); c.2212T>A, p.Ser738Thr (NM_004010.3); short protein forms S853T, S857T, S738T.
Identifiers: ClinVar variation 94522 (VCV000094522.8), dbSNP rs398123897, ClinGen allele CA222330.

ClinVar aggregate classification (germline): Uncertain significance. Review status: criteria provided, multiple submitters, no conflicts (2 of 4 stars). 2 submissions from 2 submitters: Uncertain significance (2). Last evaluated 2025-09-23.

Conditions:
Duchenne muscular dystrophy (DMD). Also called: Duchenne Muscular Dystrophy (DMD); MUSCULAR DYSTROPHY, PSEUDOHYPERTROPHIC PROGRESSIVE, DUCHENNE TYPE. Identifiers: Orphanet 98896, MedGen C0013264, MONDO:0010679, OMIM 310200.

Allele frequency attached by ClinVar (database versions not stated): gnomAD exomes 0.00001 and below 0.00001.
gnomAD v4.1: 4 of 1,211,452 alleles (0.00033%); highest among the groups gnomAD compares: Non-Finnish European, 0.00045%; no homozygotes.

Submissions (2):

Labcorp Genetics (formerly Invitae), Labcorp
Classification: Uncertain significance for Duchenne muscular dystrophy. Last evaluated: 2025-09-23. Review status: criteria provided, single submitter. Criteria: Invitae Variant Classification Sherloc (09022015). Collection method: clinical testing. Allele origin: germline.
Comment: This sequence change replaces serine, which is neutral and polar, with threonine, which is neutral and polar, at codon 861 of the DMD protein (p.Ser861Thr). This variant is present in population databases (rs398123897, gnomAD 0.001%). This variant has not been reported in the literature in individuals affected with DMD-related conditions. ClinVar contains an entry for this variant (Variation ID: 94522). Invitae Evidence Modeling of protein sequence and biophysical properties (such as structural, functional, and spatial information, amino acid conservation, physicochemical variation, residue mobility, and thermodynamic stability) indicates that this missense variant is not expected to disrupt DMD protein function with a negative predictive value of 95%. In summary, the available evidence is currently insufficient to determine the role of this variant in disease. Therefore, it has been classified as a Variant of Uncertain Significance.

Eurofins Ntd Llc (ga)
Classification: Uncertain significance. Last evaluated: 2013-08-27. Review status: criteria provided, single submitter. Criteria: EGL Classification Definitions 2015. Collection method: clinical testing. Allele origin: germline. Observed: 3 variant alleles, 2 heterozygotes, 1 hemizygote.